The following is an entry in ClinVar:

ClinVar aggregate classification (germline): Uncertain significance (1 of 4 stars; one submission).

Submission:

Labcorp Genetics (formerly Invitae), Labcorp
Classification: Uncertain significance. Last evaluated: 2022-05-08. Review status: criteria provided, single submitter. Criteria: Invitae Variant Classification Sherloc (09022015). Collection method: clinical testing. Allele origin: germline.
Comment: This variant is not present in population databases (gnomAD no frequency). This sequence change replaces lysine, which is basic and polar, with asparagine, which is neutral and polar, at codon 1300 of the ARHGEF10 protein (p.Lys1300Asn). This variant has not been reported in the literature in individuals affected with ARHGEF10-related conditions. In summary, the available evidence is currently insufficient to determine the role of this variant in disease. Therefore, it has been classified as a Variant of Uncertain Significance. Algorithms developed to predict the effect of missense changes on protein structure and function are either unavailable or do not agree on the potential impact of this missense change (SIFT: "Tolerated"; PolyPhen-2: "Possibly Damaging"; Align-GVGD: "Class C0").

NM_014629.4(ARHGEF10):c.3900A>T (p.Lys1300Asn)

Gene: ARHGEF10 (Rho guanine nucleotide exchange factor 10; plus strand). Cytogenetic location: 8p23.3.
Variant type: single nucleotide variant.
Coding change: c.3900A>T on transcript NM_014629.4 (MANE Select); coding-DNA position 3900, A replaced by T.
Protein change: p.Lys1300Asn; replaces lysine 1300 with asparagine.
Molecular consequence: missense variant.
Genome position (GRCh38, 1-based): chr8:1,957,128, A>T. VCF-style: chr8-1957128-A-T. GRCh37 (hg19) VCF-style: chr8-1905294-A-T.
Other names: c.3786A>T, p.Lys1262Asn (NM_001308152.2); c.3900A>T, p.Lys1300Asn (NM_001308153.3); short protein forms K1324N, K1262N, K1300N.
Identifiers: ClinVar variation 2098596 (VCV002098596.4), dbSNP rs2538394388, ClinGen allele CA369958779.
Genomic context (GRCh38, chr8:1,957,128, plus strand): 5'-CATCTATGATCTCCTGAAGGATCCTGTCTCGCTGAGAAGCAAAGCACGCCGGGCCAAGAA[A>T]GCCAAGGCCAGCTCGGCGCTGGTGGTCTGTGGAGGGCAGGGCCACCGCCGGGTGCACAGG-3'
Protein context (NP_055444.2, residues 1290-1310): SLRSKARRAK[Lys1300Asn]AKASSALVVC